The following is an entry in ClinVar:

ClinVar aggregate classification (germline): Uncertain significance (1 of 4 stars; one submission).

Submission:

Genetic Services Laboratory, University of Chicago
Classification: Uncertain significance. Last evaluated: 2021-02-08. Review status: criteria provided, single submitter. Criteria: ACMG Guidelines, 2015. Collection method: clinical testing. Allele origin: germline. Affected: no.
Comment: This sequence change does not appear to have been previously described in patients with PPARG-related disorders. This sequence change has not been described in the population databases (gnomAD and ExAC). The p.Ser204Pro change affects a highly conserved amino acid residue located in a domain of the PPARG protein that is known to be functional. In-silico pathogenicity prediction tools (SIFT, PolyPhen2, Align GVGD, REVEL) provide contradictory results for the p.Ser204Pro substitution. Due to these contrasting evidences and the lack of functional studies, the clinical significance of the p.Ser204Pro change remains unknown at this time.

NM_138711.6(PPARG):c.520T>C (p.Ser174Pro)

Gene: PPARG (peroxisome proliferator activated receptor gamma; plus strand). Cytogenetic location: 3p25.2.
Variant type: single nucleotide variant.
Coding change: c.520T>C on transcript NM_138711.6 (MANE Select); coding-DNA position 520, T replaced by C.
Protein change: p.Ser174Pro; replaces serine 174 with proline.
Molecular consequence: missense variant. On other transcripts: synonymous variant (1).
Genome position (GRCh38, 1-based): chr3:12,392,743, T>C. VCF-style: chr3-12392743-T-C. GRCh37 (hg19) VCF-style: chr3-12434242-T-C.
Other names: c.520T>C, p.Ser174Pro (NM_001330615.4, NM_001354666.3, NM_001354667.3 and 6 more transcripts); c.610T>C, p.Ser204Pro (NM_001354668.2, NM_001374265.1, NM_015869.5); c.93T>C, p.Cys31= (NM_001354669.2); c.526T>C, p.Ser176Pro (NM_001354670.2, NM_001374266.1); short protein forms S174P, S176P, S204P.
Identifiers: ClinVar variation 1337832 (VCV001337832.4), dbSNP rs2125215217, ClinGen allele CA351618539.